The following is an entry in ClinVar:

ClinVar aggregate classification (germline): Uncertain significance (1 of 4 stars; one submission).

Submission:

Labcorp Genetics (formerly Invitae), Labcorp
Classification: Uncertain significance. Last evaluated: 2025-08-04. Review status: criteria provided, single submitter. Criteria: Invitae Variant Classification Sherloc (09022015). Collection method: clinical testing. Allele origin: germline.
Comment: This sequence change replaces methionine, which is neutral and non-polar, with leucine, which is neutral and non-polar, at codon 159 of the OR2W3 protein (p.Met159Leu). This variant is not present in population databases (gnomAD no frequency). This variant has not been reported in the literature in individuals affected with OR2W3-related conditions. An algorithm developed to predict the effect of missense changes on protein structure and function (PolyPhen-2) suggests that this variant is likely to be tolerated. In summary, the available evidence is currently insufficient to determine the role of this variant in disease. Therefore, it has been classified as a Variant of Uncertain Significance.

NM_001001957.2(OR2W3):c.475A>C (p.Met159Leu)

Gene: OR2W3 (olfactory receptor family 2 subfamily W member 3; plus strand). Cytogenetic location: 1q44.
Variant type: single nucleotide variant.
Coding change: c.475A>C on transcript NM_001001957.2 (MANE Select); coding-DNA position 475, A replaced by C.
Protein change: p.Met159Leu; replaces methionine 159 with leucine.
Molecular consequence: missense variant.
Genome position (GRCh38, 1-based): chr1:247,896,061, A>C. VCF-style: chr1-247896061-A-C. GRCh37 (hg19) VCF-style: chr1-248059363-A-C.
Other names: short protein forms M159L.
Identifiers: ClinVar variation 4724782 (VCV004724782.1).